The following is an entry in ClinVar:

NC_000005.9:g.(?_138264925)_(138269778_?)dup

Gene: CTNNA1 (catenin alpha 1; plus strand). Cytogenetic location: 5q31.2.
Variant type: Duplication.
Identifiers: ClinVar variation 1022831 (VCV001022831.5).

ClinVar aggregate classification (germline): Uncertain significance (1 of 4 stars; one submission).

Submission:

Labcorp Genetics (formerly Invitae), Labcorp
Classification: Uncertain significance. Last evaluated: 2022-06-20. Review status: criteria provided, single submitter. Criteria: Invitae Variant Classification Sherloc (09022015). Collection method: clinical testing. Allele origin: germline.
Comment: This variant results in a copy number gain of the genomic region encompassing exon(s) 14-18 of the CTNNA1 gene. This region includes the termination codon of the gene. This copy number gain extends beyond the assayed region for this gene and therefore may encompass additional genes. As the precise location of this event is unknown, it may be in tandem or it may be located elsewhere in the genome. This variant has not been reported in the literature in individuals affected with CTNNA1-related conditions. Experimental studies and prediction algorithms are not available or were not evaluated, and the functional significance of this variant is currently unknown. In summary, the available evidence is currently insufficient to determine the role of this variant in disease. Therefore, it has been classified as a Variant of Uncertain Significance.